The following is an entry in ClinVar:

ClinVar aggregate classification (germline): Uncertain significance (1 of 4 stars; one submission).

Allele frequency attached by ClinVar (database versions not stated): TOPMed 0.00001.
gnomAD v4.1: 7 of 1,569,318 alleles (0.00045%); highest among the groups gnomAD compares: Non-Finnish European, 0.0006%; no homozygotes.

Submission:

Women's Health and Genetics/Laboratory Corporation of America, LabCorp
Classification: Uncertain significance. Last evaluated: 2023-11-14. Review status: criteria provided, single submitter. Criteria: LabCorp Variant Classification Summary - May 2015. Collection method: clinical testing. Allele origin: germline.
Comment: Variant summary: KMT2B c.1823C>T (p.Thr608Ile) results in a non-conservative amino acid change in the encoded protein sequence. Five of five in-silico tools predict a damaging effect of the variant on protein function. The variant was absent in 173688 control chromosomes. The available data on variant occurrences in the general population are insufficient to allow any conclusion about variant significance. To our knowledge, no occurrence of c.1823C>T in individuals affected with Dystonia 28, Childhood-Onset and no experimental evidence demonstrating its impact on protein function have been reported. No submitters have cited clinical-significance assessments for this variant to ClinVar after 2014. Based on the evidence outlined above, the variant was classified as uncertain significance.

NM_014727.3(KMT2B):c.1823C>T (p.Thr608Ile)

Gene: KMT2B (lysine methyltransferase 2B; plus strand). Cytogenetic location: 19q13.12.
Variant type: single nucleotide variant.
Coding change: c.1823C>T on transcript NM_014727.3 (MANE Select); coding-DNA position 1823, C replaced by T.
Protein change: p.Thr608Ile; replaces threonine 608 with isoleucine.
Molecular consequence: missense variant.
Genome position (GRCh38, 1-based): chr19:35,721,170, C>T. VCF-style: chr19-35721170-C-T. GRCh37 (hg19) VCF-style: chr19-36212072-C-T.
Other names: short protein forms T608I.
Identifiers: ClinVar variation 2682514 (VCV002682514.1), dbSNP rs760631410, ClinGen allele CA9384304.